The following is an entry in ClinVar:

NM_144997.7(FLCN):c.1419A>C (p.Val473=)

Gene: FLCN (folliculin; minus strand). Cytogenetic location: 17p11.2.
Variant type: single nucleotide variant.
Coding change: c.1419A>C on transcript NM_144997.7 (MANE Select); coding-DNA position 1419, A replaced by C.
Protein change: p.Val473=; no amino-acid change (valine 473 retained).
Molecular consequence: synonymous variant.
Genome position (GRCh38, 1-based): chr17:17,215,198, T>G on the plus strand (A>C on the coding strand, the complement: FLCN is on the minus strand). VCF-style: chr17-17215198-T-G. GRCh37 (hg19) VCF-style: chr17-17118512-T-G.
Other names: c.1473A>C, p.Val491= (NM_001353229.2); c.1419A>C, p.Val473= (NM_001353230.2, NM_001353231.2).
Identifiers: ClinVar variation 748711 (VCV000748711.20), dbSNP rs141036419, ClinGen allele CA8416007.
Genomic context (GRCh38, chr17:17,215,198, plus strand): 5'-CGGGGGCATCTTCTCACAAAAAGGACACTCTGCCTGGGGGCACCCACCTCGGTCTGCAGC[T>G]ACAGGGCTCCCACTGGTCACCACAAACTCGTACTTGCTGAGAGACTGGTCATCCTCACAC-3'
Protein context (NP_659434.2, residues 463-483): YEFVVTSGSP[Val473=]AADRVGPTIL

ClinVar aggregate classification (germline): Benign/Likely benign. Review status: criteria provided, multiple submitters, no conflicts (2 of 4 stars). 4 submissions from 4 submitters: Benign (1); Likely benign (3). Last evaluated 2025-12-21.

Conditions:
Hereditary cancer-predisposing syndrome. Also called: Tumor predisposition; Hereditary Cancer Syndrome; Neoplastic Syndromes, Hereditary; Hereditary neoplastic syndrome. Identifiers: Orphanet 140162, MedGen C0027672, MeSH D009386, MONDO:0015356.
Birt-Hogg-Dube syndrome. Also called: Birt Hogg Dubé syndrome. Identifiers: Orphanet 122, MedGen C0346010, MONDO:0800444.
Birt-Hogg-Dube syndrome 1 (BHD1). Also called: FIBROFOLLICULOMAS WITH TRICHODISCOMAS AND ACROCHORDONS. Identifiers: Orphanet 122, MedGen CN375946, MONDO:0800445, OMIM 135150.

Allele frequency attached by ClinVar (database versions not stated): gnomAD exomes below 0.00001; ExAC 0.00001; gnomAD 0.00001; TOPMed 0.00002; ESP Exome Variant Server 0.00008.
gnomAD v4.1: 1 of 1,614,152 alleles (0.000062%); no homozygotes.

Submissions (4):

Labcorp Genetics (formerly Invitae), Labcorp
Classification: Likely benign for Birt-Hogg-Dube syndrome. Last evaluated: 2025-12-21. Review status: criteria provided, single submitter. Criteria: Invitae Variant Classification Sherloc (09022015). Collection method: clinical testing. Allele origin: germline.

Myriad Genetics, Inc.
Classification: Benign for Birt-Hogg-Dube syndrome 1. Last evaluated: 2024-10-25. Review status: criteria provided, single submitter. Criteria: Myriad Autosomal Dominant, Autosomal Recessive and X-Linked Classification Criteria (2023). Collection method: clinical testing. Allele origin: unknown.
Comment: This variant is considered benign. This variant is a silent/synonymous amino acid change and it is not expected to impact splicing.

Ambry Genetics
Classification: Likely benign for Hereditary cancer-predisposing syndrome. Last evaluated: 2021-09-02. Review status: criteria provided, single submitter. Criteria: Ambry Variant Classification Scheme 2023. Collection method: clinical testing. Allele origin: germline.

ARUP Laboratories, Molecular Genetics and Genomics, ARUP Laboratories
Classification: Likely benign. Last evaluated: 2020-08-27. Review status: criteria provided, single submitter. Criteria: ARUP Molecular Germline Variant Investigation Process. Collection method: clinical testing. Allele origin: germline.